The following is an entry in ClinVar:

ClinVar aggregate classification (germline): Uncertain significance (1 of 4 stars; one submission).

Submission:

Mayo Clinic Laboratories, Mayo Clinic
Classification: Uncertain significance. Last evaluated: 2025-09-24. Review status: criteria provided, single submitter. Criteria: ACMG Guidelines, 2015. Collection method: clinical testing. Allele origin: germline. Observed: 1 variant allele.
Comment: BP4

NM_001013663.2(PTRHD1):c.280C>G (p.Leu94Val)

Gene: PTRHD1 (peptidyl-tRNA hydrolase domain containing 1; minus strand). Cytogenetic location: 2p23.3.
Variant type: single nucleotide variant.
Coding change: c.280C>G on transcript NM_001013663.2 (MANE Select); coding-DNA position 280, C replaced by G.
Protein change: p.Leu94Val; replaces leucine 94 with valine.
Molecular consequence: missense variant.
Genome position (GRCh38, 1-based): chr2:24,790,554, G>C on the plus strand (C>G on the coding strand, the complement: PTRHD1 is on the minus strand). VCF-style: chr2-24790554-G-C. GRCh37 (hg19) VCF-style: chr2-25013423-G-C.
Other names: p.Leu94Val; short protein forms L94V.
Identifiers: ClinVar variation 4542539 (VCV004542539.1).